The following is an entry in ClinVar:

ClinVar aggregate classification (germline): Pathogenic (1 of 4 stars; one submission).

Conditions:
Joubert syndrome. Also called: CEREBELLOPARENCHYMAL DISORDER IV; JOUBERT-BOLTSHAUSER SYNDROME; Familial aplasia of the vermis. Identifiers: Orphanet 475, MedGen C5979921, MONDO:0018772.
Nephronophthisis. Also called: Juvenile Nephronophthisis. Identifiers: Orphanet 655, MedGen C0687120, MONDO:0019005, HP:0000090.
Meckel-Gruber syndrome. Also called: DYSENCEPHALIA SPLANCHNOCYSTICA; GRUBER SYNDROME; Dysencephalia splachnocystica. Identifiers: Orphanet 564, MedGen C0265215, MONDO:0018921.

Submission:

Labcorp Genetics (formerly Invitae), Labcorp
Classification: Pathogenic for Joubert syndrome; Meckel-Gruber syndrome; Nephronophthisis. Last evaluated: 2025-10-02. Review status: criteria provided, single submitter. Criteria: Invitae Variant Classification Sherloc (09022015). Collection method: clinical testing. Allele origin: germline.
Comment: This sequence change creates a premature translational stop signal (p.Gln819*) in the CEP290 gene. It is expected to result in an absent or disrupted protein product. Loss-of-function variants in CEP290 are known to be pathogenic (PMID: 16909394, 17345604, 20690115). This variant is not present in population databases (gnomAD no frequency). This variant has not been reported in the literature in individuals affected with CEP290-related conditions. ClinVar contains an entry for this variant (Variation ID: 2937362). Algorithms developed to predict the effect of sequence changes on RNA splicing suggest that this variant may disrupt the consensus splice site. For these reasons, this variant has been classified as Pathogenic.

Literature cited by the submitters: PubMed 16909394; PubMed 17345604; PubMed 20690115.

NM_025114.4(CEP290):c.2455C>T (p.Gln819Ter)

Gene: CEP290 (centrosomal protein 290; minus strand). Cytogenetic location: 12q21.32.
Variant type: single nucleotide variant.
Coding change: c.2455C>T on transcript NM_025114.4 (MANE Select); coding-DNA position 2455, C replaced by T.
Protein change: p.Gln819Ter; replaces glutamine 819 with a stop codon.
Molecular consequence: nonsense.
Genome position (GRCh38, 1-based): chr12:88,109,094, G>A on the plus strand (C>T on the coding strand, the complement: CEP290 is on the minus strand). VCF-style: chr12-88109094-G-A. GRCh37 (hg19) VCF-style: chr12-88502871-G-A.
Other names: short protein forms Q819*.
Identifiers: ClinVar variation 2937362 (VCV002937362.3), dbSNP rs2137662565, ClinGen allele CA385972651.